The following is an entry in ClinVar:

ClinVar aggregate classification (germline): Uncertain significance (1 of 4 stars; one submission).

Submission:

Labcorp Genetics (formerly Invitae), Labcorp
Classification: Uncertain significance. Last evaluated: 2022-10-19. Review status: criteria provided, single submitter. Criteria: Invitae Variant Classification Sherloc (09022015). Collection method: clinical testing. Allele origin: germline.
Comment: In summary, the available evidence is currently insufficient to determine the role of this variant in disease. Therefore, it has been classified as a Variant of Uncertain Significance. Algorithms developed to predict the effect of missense changes on protein structure and function are either unavailable or do not agree on the potential impact of this missense change (SIFT: "Deleterious"; PolyPhen-2: "Possibly Damaging"; Align-GVGD: "Class C15"). This variant has not been reported in the literature in individuals affected with SIPA1L3-related conditions. This variant is not present in population databases (gnomAD no frequency). This sequence change replaces glutamic acid, which is acidic and polar, with lysine, which is basic and polar, at codon 950 of the SIPA1L3 protein (p.Glu950Lys).

NM_015073.3(SIPA1L3):c.2848G>A (p.Glu950Lys)

Gene: SIPA1L3 (signal induced proliferation associated 1 like 3; plus strand). Cytogenetic location: 19q13.13.
Variant type: single nucleotide variant.
Coding change: c.2848G>A on transcript NM_015073.3 (MANE Select); coding-DNA position 2848, G replaced by A.
Protein change: p.Glu950Lys; replaces glutamic acid 950 with lysine.
Molecular consequence: missense variant.
Genome position (GRCh38, 1-based): chr19:38,119,862, G>A. VCF-style: chr19-38119862-G-A. GRCh37 (hg19) VCF-style: chr19-38610502-G-A.
Other names: short protein forms E950K.
Identifiers: ClinVar variation 2036161 (VCV002036161.4), dbSNP rs2513706697, ClinGen allele CA405610056.